The following is an entry in ClinVar:

NM_001042492.3(NF1):c.2382T>A (p.Tyr794Ter)

Gene: NF1 (neurofibromin 1; plus strand). Cytogenetic location: 17q11.2.
Variant type: single nucleotide variant.
Coding change: c.2382T>A on transcript NM_001042492.3 (MANE Select); coding-DNA position 2382, T replaced by A.
Protein change: p.Tyr794Ter; replaces tyrosine 794 with a stop codon.
Molecular consequence: nonsense.
Genome position (GRCh38, 1-based): chr17:31,227,579, T>A. VCF-style: chr17-31227579-T-A. GRCh37 (hg19) VCF-style: chr17-29554597-T-A.
Other names: c.2382T>A, p.Tyr794Ter (NM_000267.4); short protein forms Y794*.
Identifiers: ClinVar variation 1357450 (VCV001357450.8), dbSNP rs2151427564, ClinGen allele CA398983225.

ClinVar aggregate classification (germline): Pathogenic (1 of 4 stars; one submission).

Conditions:
Neurofibromatosis, type 1 (NF1). Also called: NEUROFIBROMATOSIS, TYPE I, SOMATIC; VON RECKLINGHAUSEN DISEASE; Neurofibromatosis, type I; Peripheral type neurofibromatosis. Identifiers: Orphanet 636, MedGen C0027831, MONDO:0018975, OMIM 162200. Disease mechanism: loss of function.

Submission:

Labcorp Genetics (formerly Invitae), Labcorp
Classification: Pathogenic for Neurofibromatosis, type 1. Last evaluated: 2023-08-16. Review status: criteria provided, single submitter. Criteria: Invitae Variant Classification Sherloc (09022015). Collection method: clinical testing. Allele origin: germline.
Comment: This premature translational stop signal has been observed in individual(s) with neurofibromatosis type 1 (PMID: 28529006). This sequence change creates a premature translational stop signal (p.Tyr794*) in the NF1 gene. It is expected to result in an absent or disrupted protein product. Loss-of-function variants in NF1 are known to be pathogenic (PMID: 10712197, 23913538). This variant is not present in population databases (gnomAD no frequency). ClinVar contains an entry for this variant (Variation ID: 1357450). For these reasons, this variant has been classified as Pathogenic.

Literature cited by the submitters: PubMed 28529006; PubMed 10712197; PubMed 23913538.